The following is an entry in ClinVar:

NM_004787.4(SLIT2):c.3669T>C (p.Ser1223=)

Gene: SLIT2 (slit guidance ligand 2; plus strand). Cytogenetic location: 4p15.31.
Variant type: single nucleotide variant.
Coding change: c.3669T>C on transcript NM_004787.4 (MANE Select); coding-DNA position 3669, T replaced by C.
Protein change: p.Ser1223=; no amino-acid change (serine 1223 retained).
Molecular consequence: synonymous variant.
Genome position (GRCh38, 1-based): chr4:20,598,372, T>C. VCF-style: chr4-20598372-T-C. GRCh37 (hg19) VCF-style: chr4-20599995-T-C.
Other names: c.3657T>C, p.Ser1219= (NM_001289135.3); c.3645T>C, p.Ser1215= (NM_001289136.3).
Identifiers: ClinVar variation 3030929 (VCV003030929.2), dbSNP rs1320399592, ClinGen allele CA438716409.

ClinVar aggregate classification (germline): Likely benign (0 of 4 stars; one submission).

Conditions:
SLIT2-related disorder. Also called: SLIT2-related condition.

Allele frequency attached by ClinVar (database versions not stated): gnomAD exomes below 0.00001; TOPMed below 0.00001; gnomAD 0.00001.
gnomAD v4.1: 11 of 1,614,014 alleles (0.00068%); highest among the groups gnomAD compares: Non-Finnish European, 0.00076%; no homozygotes.

Submission:

PreventionGenetics, part of Exact Sciences
Classification: Likely benign for SLIT2-related condition. Last evaluated: 2023-09-05. Review status: no assertion criteria provided. Collection method: clinical testing. Allele origin: germline.
Comment: This variant is classified as likely benign based on ACMG/AMP sequence variant interpretation guidelines (Richards et al. 2015 PMID: 25741868, with internal and published modifications).